The following is an entry in ClinVar:

NM_003052.5(SLC34A1):c.883T>C (p.Ser295Pro)

Gene: SLC34A1 (solute carrier family 34 member 1; plus strand). Cytogenetic location: 5q35.3.
Variant type: single nucleotide variant.
Coding change: c.883T>C on transcript NM_003052.5 (MANE Select); coding-DNA position 883, T replaced by C.
Protein change: p.Ser295Pro; replaces serine 295 with proline.
Molecular consequence: missense variant.
Genome position (GRCh38, 1-based): chr5:177,388,319, T>C. VCF-style: chr5-177388319-T-C. GRCh37 (hg19) VCF-style: chr5-176815320-T-C.
Other names: c.883T>C, p.Ser295Pro (NM_001167579.2); short protein forms S295P.
Identifiers: ClinVar variation 2701648 (VCV002701648.3), dbSNP rs763096294, ClinGen allele CA362365947.

ClinVar aggregate classification (germline): Uncertain significance (1 of 4 stars; one submission).

gnomAD v4.1: 1 of 1,613,956 alleles (0.000062%); highest among the groups gnomAD compares: Non-Finnish European, 0.000085%; no homozygotes.

Submission:

Labcorp Genetics (formerly Invitae), Labcorp
Classification: Uncertain significance. Last evaluated: 2024-11-05. Review status: criteria provided, single submitter. Criteria: Invitae Variant Classification Sherloc (09022015). Collection method: clinical testing. Allele origin: germline.
Comment: This sequence change replaces serine, which is neutral and polar, with proline, which is neutral and non-polar, at codon 295 of the SLC34A1 protein (p.Ser295Pro). This variant is not present in population databases (gnomAD no frequency). This variant has not been reported in the literature in individuals affected with SLC34A1-related conditions. ClinVar contains an entry for this variant (Variation ID: 2701648). Invitae Evidence Modeling of protein sequence and biophysical properties (such as structural, functional, and spatial information, amino acid conservation, physicochemical variation, residue mobility, and thermodynamic stability) indicates that this missense variant is not expected to disrupt SLC34A1 protein function with a negative predictive value of 80%. In summary, the available evidence is currently insufficient to determine the role of this variant in disease. Therefore, it has been classified as a Variant of Uncertain Significance.